The following is an entry in ClinVar:

NM_001184.4(ATR):c.6620C>G (p.Ser2207Cys)

Gene: ATR (ATR checkpoint kinase; minus strand). Cytogenetic location: 3q23.
Variant type: single nucleotide variant.
Coding change: c.6620C>G on transcript NM_001184.4 (MANE Select); coding-DNA position 6620, C replaced by G.
Protein change: p.Ser2207Cys; replaces serine 2207 with cysteine.
Molecular consequence: missense variant.
Genome position (GRCh38, 1-based): chr3:142,468,001, G>C on the plus strand (C>G on the coding strand, the complement: ATR is on the minus strand). VCF-style: chr3-142468001-G-C. GRCh37 (hg19) VCF-style: chr3-142186843-G-C.
Other names: c.6428C>G, p.Ser2143Cys (NM_001354579.2); short protein forms S2143C, S2207C.
Identifiers: ClinVar variation 3221258 (VCV003221258.1), dbSNP rs1434832351, ClinGen allele CA354803544.

ClinVar aggregate classification (germline): Uncertain significance (1 of 4 stars; one submission).

Conditions:
Inborn genetic diseases. Identifiers: MedGen C0950123, MeSH D030342.

Allele frequency attached by ClinVar (database versions not stated): gnomAD exomes below 0.00001.
gnomAD v4.1: 1 of 1,612,880 alleles (0.000062%); highest among the groups gnomAD compares: Admixed American, 0.0017%; no homozygotes.

Submission:

Ambry Genetics
Classification: Uncertain significance for Inborn genetic diseases. Last evaluated: 2023-11-29. Review status: criteria provided, single submitter. Criteria: Ambry Variant Classification Scheme 2023. Collection method: clinical testing. Allele origin: germline.
Comment: The p.S2207C variant (also known as c.6620C>G), located in coding exon 39 of the ATR gene, results from a C to G substitution at nucleotide position 6620. The serine at codon 2207 is replaced by cysteine, an amino acid with dissimilar properties. This amino acid position is conserved. In addition, this alteration is predicted to be tolerated by in silico analysis. Since supporting evidence is limited at this time, the clinical significance of this alteration remains unclear.